The following is an entry in ClinVar:

NM_000093.5(COL5A1):c.5175_5200dup (p.Leu1734delinsArgTyrArgTer)

Genes: COL5A1 (collagen type V alpha 1 chain; plus strand), LOC101448202 (uncharacterized LOC101448202; minus strand). Cytogenetic location: 9q34.3.
Variant type: Duplication.
Coding change: c.5175_5200dup on transcript NM_000093.5 (MANE Select); coding-DNA positions 5175 to 5200, 26 bases duplicated (GGTACAGATGACCTTCCTGCGGCTGC).
Protein change: p.Leu1734delinsArgTyrArgTer.
Molecular consequence: nonsense.
Genome position (GRCh38, 1-based): chr9:134,835,009-134,835,034, GGTACAGATGACCTTCCTGCGGCTGC duplicated. VCF-style (leftmost placement, unchanged base first): chr9-134835008-T-TGGTACAGATGACCTTCCTGCGGCTGC. GRCh37 (hg19) VCF-style: chr9-137726854-T-TGGTACAGATGACCTTCCTGCGGCTGC.
Other names: c.5175_5200dup, p.Leu1734delinsArgTyrArgTer (NM_001278074.1).
Identifiers: ClinVar variation 1069321 (VCV001069321.8), dbSNP rs2132925550, ClinGen allele CA2499219767.
Genomic context (GRCh38, chr9:134,835,008, plus strand): 5'-CCCCAACACCCCTGTCCCCCCAGCTCTCCTATGTGGACGCCGAGGGCAACCCTGTGGGTG[T>TGGTACAGATGACCTTCCTGCGGCTGC]GGTACAGATGACCTTCCTGCGGCTGCTGAGCGCCTCTGCCCACCAGAACGTCACCTACCA-3'

ClinVar aggregate classification (germline): Pathogenic (1 of 4 stars; one submission).

Conditions:
Ehlers-Danlos syndrome, classic type, 1 (EDSCL1). Also called: EHLERS-DANLOS SYNDROME, GRAVIS TYPE; EHLERS-DANLOS SYNDROME, SEVERE CLASSIC TYPE; EDS I; Ehlers-Danlos Syndrome, Classic Type, COL5A1-Related; Ehlers-Danlos syndrome, type 1. Identifiers: MedGen C0268335, MONDO:0019567, OMIM 130000.

Submission:

Labcorp Genetics (formerly Invitae), Labcorp
Classification: Pathogenic for Ehlers-Danlos syndrome, classic type, 1. Last evaluated: 2020-09-15. Review status: criteria provided, single submitter. Criteria: Invitae Variant Classification Sherloc (09022015). Collection method: clinical testing. Allele origin: germline.
Comment: For these reasons, this variant has been classified as Pathogenic. Loss-of-function variants in COL5A1 are known to be pathogenic (PMID: 23587214). Algorithms developed to predict the effect of sequence changes on RNA splicing suggest that this variant may create or strengthen a splice site, but this prediction has not been confirmed by published transcriptional studies. This variant has not been reported in the literature in individuals with COL5A1-related conditions. This variant is not present in population databases (ExAC no frequency). This sequence change creates a premature translational stop signal (p.Leu1734Argfs*4) in the COL5A1 gene. It is expected to result in an absent or disrupted protein product.

Literature cited by the submitters: PubMed 23587214.